The following is an entry in ClinVar:

ClinVar aggregate classification (germline): Benign (1 of 4 stars; one submission).

Conditions:
MELAS syndrome (MELAS). Also called: Juvenile myopathy, encephalopathy, lactic acidosis, stroke. Identifiers: Orphanet 550, MedGen C0162671, MONDO:0010789, OMIM 540000.

Submission:

Wong Mito Lab, Molecular and Human Genetics, Baylor College of Medicine
Classification: Benign for MELAS syndrome. Last evaluated: 2019-07-12. Review status: criteria provided, single submitter. Criteria: Modified ACMG Guidelines (Unpublished). Collection method: clinical testing. Allele origin: germline.
Comment: The NC_012920.1:m.4381A>G variant in MT-TQ gene is interpreted to be a Benign variant based on the modified ACMG guidelines (unpublished). This variant meets the following evidence codes reported in the guidelines: BS1, BS4, BP4

Literature cited by the submitters: PubMed 31965079; PubMed 17003408.

NC_012920.1(MT-TQ):m.4381A>G

Gene: MT-TQ (mitochondrially encoded tRNA glutamine; minus strand).
Variant type: single nucleotide variant.
Genome position: chrM-4381-A-G.
Identifiers: ClinVar variation 689898 (VCV000689898.1), dbSNP rs1603219434, ClinGen allele CA913177946.